The following is an entry in ClinVar:

ClinVar aggregate classification (germline): Pathogenic (1 of 4 stars; one submission).

Conditions:
Hereditary cancer-predisposing syndrome. Also called: Hereditary Cancer Syndrome; Neoplastic Syndromes, Hereditary; Hereditary neoplastic syndrome; Tumor predisposition. Identifiers: Orphanet 140162, MedGen C0027672, MeSH D009386, MONDO:0015356.

Submission:

Ambry Genetics
Classification: Pathogenic for Hereditary cancer-predisposing syndrome. Last evaluated: 2012-12-07. Review status: criteria provided, single submitter. Criteria: Ambry Autosomal Dominant and X-Linked criteria (10/2015). Collection method: clinical testing. Allele origin: germline. Observed: 1 variant allele.
Comment: Alterations resulting in premature truncation (e.g.reading frame shift, nonsense)

NM_000455.5(STK11):c.106del (p.Tyr36fs)

Gene: STK11 (serine/threonine kinase 11; plus strand). Cytogenetic location: 19p13.3.
Variant type: Deletion.
Coding change: c.106del on transcript NM_000455.5 (MANE Select); coding-DNA position 106, one base deleted (T; older notation c.106delT).
Protein change: p.Tyr36fs; shifts the reading frame from tyrosine 36.
Molecular consequence: frameshift variant.
Genome position (GRCh38, 1-based): chr19:1,207,019, T deleted. VCF-style (leftmost placement, unchanged base first): chr19-1207018-CT-C. GRCh37 (hg19) VCF-style: chr19-1207017-CT-C.
Other names: c.106delT (NM_000455.4); short protein forms Y36fs.
Identifiers: ClinVar variation 428760 (VCV000428760.2), dbSNP rs1131690924, ClinGen allele CA645369773.
Genomic context (GRCh38, chr19:1,207,018, plus strand): 5'-CGAGCTGATGTCGGTGGGTATGGACACGTTCATCCACCGCATCGACTCCACCGAGGTCAT[CT>C]ACCAGCCGCGCCGCAAGCGGGCCAAGCTCATCGGCAAGTACCTGATGGGGGACCTGCTGG-3'